The following is an entry in ClinVar:

ClinVar aggregate classification (germline): Uncertain significance (1 of 4 stars; one submission).

Conditions:
Inborn genetic diseases. Identifiers: MedGen C0950123, MeSH D030342.

Submission:

Ambry Genetics
Classification: Uncertain significance for Inborn genetic diseases. Last evaluated: 2025-10-16. Review status: criteria provided, single submitter. Criteria: Ambry Variant Classification Scheme 2023. Collection method: clinical testing. Allele origin: germline.
Comment: The p.E994V variant (also known as c.2981A>T), located in coding exon 13 of the BMPR2 gene, results from an A to T substitution at nucleotide position 2981. The glutamic acid at codon 994 is replaced by valine, an amino acid with dissimilar properties. This amino acid position is conserved. In addition, this alteration is predicted to be deleterious by in silico analysis. Based on the available evidence, the clinical significance of this variant remains unclear.

NM_001204.7(BMPR2):c.2981A>T (p.Glu994Val)

Gene: BMPR2 (bone morphogenetic protein receptor type 2; plus strand). Cytogenetic location: 2q33.2.
Variant type: single nucleotide variant.
Coding change: c.2981A>T on transcript NM_001204.7 (MANE Select); coding-DNA position 2981, A replaced by T.
Protein change: p.Glu994Val; replaces glutamic acid 994 with valine.
Molecular consequence: missense variant.
Genome position (GRCh38, 1-based): chr2:202,559,810, A>T. VCF-style: chr2-202559810-A-T. GRCh37 (hg19) VCF-style: chr2-203424533-A-T.
Other names: short protein forms E994V.
Identifiers: ClinVar variation 4597350 (VCV004597350.1).